The following is an entry in ClinVar:

NM_000027.4(AGA):c.755G>A (p.Gly252Glu)

Gene: AGA (aspartylglucosaminidase; minus strand). Cytogenetic location: 4q34.3.
Variant type: single nucleotide variant.
Coding change: c.755G>A on transcript NM_000027.4 (MANE Select); coding-DNA position 755, G replaced by A.
Protein change: p.Gly252Glu; replaces glycine 252 with glutamic acid.
Molecular consequence: missense variant. On other transcripts: non-coding transcript variant (1).
Genome position (GRCh38, 1-based): chr4:177,434,433, C>T on the plus strand (G>A on the coding strand, the complement: AGA is on the minus strand). VCF-style: chr4-177434433-C-T. GRCh37 (hg19) VCF-style: chr4-178355587-C-T.
Other names: c.725G>A, p.Gly242Glu (NM_001171988.2); short protein forms G252E, G242E.
Identifiers: ClinVar variation 55952 (VCV000055952.19), dbSNP rs386833433, ClinGen allele CA144032.

ClinVar aggregate classification (germline): Pathogenic/Likely pathogenic. Review status: criteria provided, multiple submitters, no conflicts (2 of 4 stars). 7 submissions from 7 submitters: Pathogenic (2); Likely pathogenic (4). 1 of the submissions does not count toward it. Last evaluated 2026-09-22.

Conditions:
Aspartylglucosaminuria (AGU). Also called: Aspartylglucos-aminuria; Aspartylglucos-amidase (AGA) deficiency; AGA DEFICIENCY; GLYCOASPARAGINASE; GLYCOSYLASPARAGINASE DEFICIENCY. Identifiers: Orphanet 93, MedGen C0268225, MONDO:0008830, OMIM 208400, HP:0012068.

Allele frequency attached by ClinVar (database versions not stated): gnomAD exomes below 0.00001.

Submissions (7):

GeneDx
Classification: Pathogenic. Last evaluated: 2026-09-22. Review status: criteria provided, single submitter. Criteria: GeneDx Variant Classification Process June 2021. Collection method: clinical testing. Allele origin: germline.
Comment: Published functional studies demonstrate that p.(G252E) likely causes protein misfolding resulting in an inactivate precursory polypeptide that remains in the endoplasmic reticulum and is unprocessed (PMID: 11309371); In silico analysis supports that this missense variant has a deleterious effect on protein structure/function; Not observed at significant frequency in large population cohorts (gnomAD); This variant is associated with the following publications: (PMID: 25525159, 32415113, 11754099, 18992224, 11309371)

Labcorp Genetics (formerly Invitae), Labcorp
Classification: Pathogenic for Aspartylglucosaminuria. Last evaluated: 2025-09-02. Review status: criteria provided, single submitter. Criteria: Invitae Variant Classification Sherloc (09022015). Collection method: clinical testing. Allele origin: germline.
Comment: This sequence change replaces glycine, which is neutral and non-polar, with glutamic acid, which is acidic and polar, at codon 252 of the AGA protein (p.Gly252Glu). This variant is present in population databases (rs386833433, gnomAD 0.003%). This missense change has been observed in individual(s) with aspartylglucosaminuria (PMID: 11309371). In at least one individual the data is consistent with being in trans (on the opposite chromosome) from a pathogenic variant. ClinVar contains an entry for this variant (Variation ID: 55952). Invitae Evidence Modeling of protein sequence and biophysical properties (such as structural, functional, and spatial information, amino acid conservation, physicochemical variation, residue mobility, and thermodynamic stability) indicates that this missense variant is expected to disrupt AGA protein function with a positive predictive value of 95%. Experimental studies have shown that this missense change affects AGA function (PMID: 11309371). This variant disrupts the p.Gly252 amino acid residue in AGA. Other variant(s) that disrupt this residue have been observed in individuals with AGA-related conditions (PMID: 11309371), which suggests that this may be a clinically significant amino acid residue. For these reasons, this variant has been classified as Pathogenic.

Natera, Inc.
Classification: Likely pathogenic for Aspartylglucosaminuria. Last evaluated: 2025-05-12. Review status: criteria provided, single submitter. Criteria: Natera Variant Classification Schema (03/2026). Collection method: clinical testing. Allele origin: germline.
Comment: The c.755G>A variant in AGA is a missense variant predicted to cause substitution of glycine to glutamic acid at amino acid 252. This variant is rare in the general population with a frequency below the threshold expected for the associated phenotype(s). This variant has been observed in one or more individuals affected with the associated recessive disease, as either homozygous or compound heterozygous with a second variant (PMID: 11309371). Functional studies show that this variant may disrupt protein function (PMID: 11309371). Computational prediction algorithms indicate this variant is likely to affect gene or protein function. Given the available evidence, this variant is classified as Likely Pathogenic.

Women's Health and Genetics/Laboratory Corporation of America, LabCorp
Classification: Likely pathogenic for Aspartylglucosaminuria. Last evaluated: 2025-01-07. Review status: criteria provided, single submitter. Criteria: LabCorp Variant Classification Summary - May 2015. Collection method: clinical testing. Allele origin: germline.
Comment: Variant summary: AGA c.755G>A (p.Gly252Glu) results in a non-conservative amino acid change in the encoded protein sequence. Five of five in-silico tools predict a damaging effect of the variant on protein function. The variant allele was found at a frequency of 4e-06 in 251478 control chromosomes. c.755G>A has been reported in the literature in at-least one Finnish individual affected with Aspartylglucosaminuria (Saarela_2001). This publication also reports experimental evidence evaluating an impact on protein function. The most pronounced variant effect results in <10% of normal enzymatic activity. The following publication has been ascertained in the context of this evaluation (PMID: 11309371). ClinVar contains an entry for this variant (Variation ID: 55952). Based on the evidence outlined above, the variant was classified as likely pathogenic.

Baylor Genetics
Classification: Likely pathogenic for Aspartylglucosaminuria. Last evaluated: 2023-05-17. Review status: criteria provided, single submitter. Criteria: ACMG Guidelines, 2015. Collection method: clinical testing. Allele origin: unknown.

Mayo Clinic Laboratories, Mayo Clinic
Classification: Likely pathogenic. Last evaluated: 2019-05-21. Review status: criteria provided, single submitter. Criteria: ACMG Guidelines, 2015. Collection method: clinical testing. Allele origin: germline. Observed: 1 variant allele.
Comment: PS3, PM2, PM3, PP4

Juha Muilu Group; Institute for Molecular Medicine Finland (FIMM)
Classification: Likely pathogenic for Aspartylglycosaminuria. Review status: no assertion criteria provided. Collection method: not provided. Allele origin: unknown. Not counted in ClinVar's aggregate classification.
Comment: FinDis database variant: This variant was not found or characterized by our laboratory, data were collected from public sources: see reference
ClinVar note: Converted during submission from probable-pathogenic to Likely pathogenic.

Literature cited by the submitters: PubMed 11309371 (cited by 3 submitters); PubMed 11754099 (cited by Mayo Clinic Laboratories, Mayo Clinic); PubMed 18992224 (cited by Mayo Clinic Laboratories, Mayo Clinic); PubMed 25525159 (cited by Mayo Clinic Laboratories, Mayo Clinic).